The following is an entry in ClinVar:

ClinVar aggregate classification (germline): Uncertain significance. Review status: criteria provided, single submitter (1 of 4 stars). 2 submissions from 2 submitters: Uncertain significance (1). 1 of the submissions does not count toward it. Last evaluated 2024-02-07.

Conditions:
VPS33B-related disorder. Also called: VPS33B-related condition.
Cholestasis, progressive familial intrahepatic, 12 (PFIC12). Also called: CHOLESTASIS, ISOLATED LOW-GGT. Identifiers: MedGen C5774311, MONDO:0031040, OMIM 620010.
Arthrogryposis, renal dysfunction, and cholestasis 1 (ARCS1). Identifiers: Orphanet 2697, MedGen C1859722, MONDO:0008822, OMIM 208085.
Keratoderma-ichthyosis-deafness syndrome, autosomal recessive (KDIDAR). Identifiers: MedGen C5774200, MONDO:0859278, OMIM 620009.

gnomAD v4.1: 3 of 1,614,228 alleles (0.00019%); highest among the groups gnomAD compares: Admixed American, 0.005%; no homozygotes.

Submissions (2):

Fulgent Genetics
Classification: Uncertain significance for Arthrogryposis, renal dysfunction, and cholestasis 1; Keratoderma-ichthyosis-deafness syndrome, autosomal recessive; Cholestasis, progressive familial intrahepatic, 12. Last evaluated: 2024-02-07. Review status: criteria provided, single submitter. Criteria: ACMG Guidelines, 2015. Collection method: clinical testing. Allele origin: germline.

PreventionGenetics, part of Exact Sciences
Classification: Uncertain significance for VPS33B-related condition. Last evaluated: 2024-05-06. Review status: no assertion criteria provided. Collection method: clinical testing. Allele origin: germline. Not counted in ClinVar's aggregate classification.
Comment: The VPS33B c.1180A>G variant is predicted to result in the amino acid substitution p.Ile394Val. To our knowledge, this variant has not been reported in the literature. This variant is reported in 0.0058% of alleles in individuals of Latino descent in gnomAD. At this time, the clinical significance of this variant is uncertain due to the absence of conclusive functional and genetic evidence.

NM_018668.5(VPS33B):c.1180A>G (p.Ile394Val)

Gene: VPS33B (VPS33B late endosome and lysosome associated; minus strand). Cytogenetic location: 15q26.1.
Variant type: single nucleotide variant.
Coding change: c.1180A>G on transcript NM_018668.5 (MANE Select); coding-DNA position 1180, A replaced by G.
Protein change: p.Ile394Val; replaces isoleucine 394 with valine.
Molecular consequence: missense variant.
Genome position (GRCh38, 1-based): chr15:91,004,922, T>C on the plus strand (A>G on the coding strand, the complement: VPS33B is on the minus strand). VCF-style: chr15-91004922-T-C. GRCh37 (hg19) VCF-style: chr15-91548152-T-C.
Other names: c.1099A>G, p.Ile367Val (NM_001289148.1); c.907A>G, p.Ile303Val (NM_001289149.1); short protein forms I303V, I367V, I394V.
Identifiers: ClinVar variation 3345355 (VCV003345355.2).
Genomic context (GRCh38, chr15:91,004,922, plus strand): 5'-GTCTTTTGGGCTCACCATTCTCAGTGATGGACAAAAGGCACATGAGGCGCAGGCTTTCTA[T>C]AGGCGACACCTGCATAGGAAGAAAGAATCAAGGAGAATTGAAGCTTCACAACACGTGTTC-3'
Protein context (NP_061138.3, residues 384-404): EEHIDRQVSP[Ile394Val]ESLRLMCLLS